The following is an entry in ClinVar:

ClinVar aggregate classification (germline): Likely benign (1 of 4 stars; one submission).

gnomAD v4.1: 11 of 1,519,840 alleles (0.00072%); highest among the groups gnomAD compares: African/African-American, 0.016%; no homozygotes.

Submission:

CeGaT Center for Human Genetics Tuebingen
Classification: Likely benign. Last evaluated: 2026-04-01. Review status: criteria provided, single submitter. Criteria: CeGaT Center For Human Genetics Tuebingen Variant Classification Criteria Version 2. Collection method: clinical testing. Allele origin: germline. Affected: yes. Observed: 1 variant allele.
Comment: HEPACAM: BP4, BP7

NM_152722.5(HEPACAM):c.1197C>G (p.Gly399=)

Gene: HEPACAM (hepatic and glial cell adhesion molecule; minus strand). Cytogenetic location: 11q24.2.
Variant type: single nucleotide variant.
Coding change: c.1197C>G on transcript NM_152722.5 (MANE Select); coding-DNA position 1197, C replaced by G.
Protein change: p.Gly399=; no amino-acid change (glycine 399 retained).
Molecular consequence: synonymous variant.
Genome position (GRCh38, 1-based): chr11:124,921,192, G>C on the plus strand (C>G on the coding strand, the complement: HEPACAM is on the minus strand). VCF-style: chr11-124921192-G-C. GRCh37 (hg19) VCF-style: chr11-124791088-G-C.
Other names: c.1353C>G, p.Gly451= (NM_001411043.1); c.1194C>G, p.Gly398= (NM_001441320.1).
Identifiers: ClinVar variation 4874714 (VCV004874714.2).